The following is an entry in ClinVar:

NM_000232.5(SGCB):c.33+2T>A

Genes: SGCB (sarcoglycan beta; minus strand), LOC129992585 (ATAC-STARR-seq lymphoblastoid silent region 15421; plus strand). Cytogenetic location: 4q12.
Variant type: single nucleotide variant.
Coding change: c.33+2T>A on transcript NM_000232.5 (MANE Select); the canonical splice donor site of the intron after coding-DNA position 33, T replaced by A.
Molecular consequence: splice donor variant.
Genome position (GRCh38, 1-based): chr4:52,038,225, A>T on the plus strand (T>A on the coding strand, the complement: SGCB is on the minus strand). VCF-style: chr4-52038225-A-T. GRCh37 (hg19) VCF-style: chr4-52904391-A-T.
Other names: c.33+2T>A (NM_000232.4).
Identifiers: ClinVar variation 1479714 (VCV001479714.9), dbSNP rs2109380796, ClinGen allele CA356878663.
Genomic context (GRCh38, chr4:52,038,225, plus strand): 5'-CAGCCGGCAGGACGCGGCCTCCCCCGCTCCTCCAGCCCGCGGCCGCGGCGGTACTCACAG[A>T]CCTGTTCTGCAGCCGCCGCCGCCGCTGCCGCCATCTTCCCGCGCCCGCCGCCGCCGAGCT-3'

ClinVar aggregate classification (germline): Likely pathogenic. Review status: criteria provided, multiple submitters, no conflicts (2 of 4 stars). 2 submissions from 2 submitters: Likely pathogenic (2). Last evaluated 2020-11-02.

Conditions:
Autosomal recessive limb-girdle muscular dystrophy type 2E (LGMDR4). Also called: MUSCULAR DYSTROPHY, LIMB-GIRDLE, AUTOSOMAL RECESSIVE 4. Identifiers: Orphanet 119, MedGen C1858593, MONDO:0011423, OMIM 604286. Disease mechanism: Affects gamma-sarcoglycan and also disrupts the integrity of the entire sarcoglycan complex..

Submissions (2):

Labcorp Genetics (formerly Invitae), Labcorp
Classification: Likely pathogenic for Autosomal recessive limb-girdle muscular dystrophy type 2E. Last evaluated: 2020-11-02. Review status: criteria provided, single submitter. Criteria: Invitae Variant Classification Sherloc (09022015). Collection method: clinical testing. Allele origin: germline.
Comment: This sequence change affects a donor splice site in intron 1 of the SGCB gene. It is expected to disrupt RNA splicing. Variants that disrupt the donor or acceptor splice site typically lead to a loss of protein function (PMID: 16199547), and loss-of-function variants in SGCB are known to be pathogenic (PMID: 15938573, 18285821). The frequency data for this variant in the population databases is considered unreliable, as metrics indicate insufficient coverage at this position in the ExAC database. In summary, the currently available evidence indicates that the variant is pathogenic, but additional data are needed to prove that conclusively. Therefore, this variant has been classified as Likely Pathogenic. Algorithms developed to predict the effect of sequence changes on RNA splicing suggest that this variant may disrupt the consensus splice site, but this prediction has not been confirmed by published transcriptional studies. Disruption of this splice site has been observed in individual(s) with limb-girdle muscular dystrophy (PMID: 25862795).

Neuberg Centre For Genomic Medicine, NCGM
Classification: Likely pathogenic for Autosomal recessive limb-girdle muscular dystrophy type 2E. Review status: criteria provided, single submitter. Criteria: ACMG Guidelines, 2015. Collection method: clinical testing. Allele origin: germline. Inheritance: Autosomal recessive inheritance. Affected: yes.
Comment: The splice site c.33+2T>A variant has not been reported previously as a pathogenic variant nor as a benign variant, to our knowledge. The variant is novel (not in any individuals) in 1000 Genomes. The nucleotide change in SGCB is predicted as conserved by GERP++ and PhyloP across 100 vertebrates. For these reasons, this variant has been classified as Likely Pathogenic.

Literature cited by the submitters: PubMed 16199547 (cited by Labcorp Genetics (formerly Invitae), Labcorp); PubMed 15938573 (cited by Labcorp Genetics (formerly Invitae), Labcorp); PubMed 18285821 (cited by Labcorp Genetics (formerly Invitae), Labcorp); PubMed 25862795 (cited by Labcorp Genetics (formerly Invitae), Labcorp).